The following is an entry in ClinVar:

ClinVar aggregate classification (germline): Conflicting classifications of pathogenicity. Review status: criteria provided, conflicting classifications (1 of 4 stars). 3 submissions from 3 submitters: Uncertain significance (1); Likely benign (2). Last evaluated 2024-10-21.

Conditions:
Autosomal dominant childhood-onset proximal spinal muscular atrophy with contractures (SMALED2A). Also called: SPINAL MUSCULAR ATROPHY, LOWER EXTREMITY-PREDOMINANT, 2A, CHILDHOOD ONSET, AUTOSOMAL DOMINANT; Spinal muscular atrophy, lower extremity-predominant, 2A, autosomal dominant. Identifiers: Orphanet 363447, Orphanet 363454, MedGen C4747715, MONDO:0014121, OMIM 615290.
Inborn genetic diseases. Identifiers: MedGen C0950123, MeSH D030342.

Allele frequency attached by ClinVar (database versions not stated): ExAC 0.00002; gnomAD exomes 0.00004 and 0.00008; TOPMed 0.00005; gnomAD 0.00007 and 0.00008; ESP Exome Variant Server 0.00015.
gnomAD v4.1: 121 of 1,610,486 alleles (0.0075%); highest among the groups gnomAD compares: Non-Finnish European, 0.0099%; no homozygotes.

Submissions (3):

Labcorp Genetics (formerly Invitae), Labcorp
Classification: Likely benign for Autosomal dominant childhood-onset proximal spinal muscular atrophy with contractures. Last evaluated: 2024-10-21. Review status: criteria provided, single submitter. Criteria: Invitae Variant Classification Sherloc (09022015). Collection method: clinical testing. Allele origin: germline.

GeneDx
Classification: Uncertain significance. Last evaluated: 2022-06-15. Review status: criteria provided, single submitter. Criteria: GeneDx Variant Classification Process June 2021. Collection method: clinical testing. Allele origin: germline. Affected: yes.
Comment: In silico analysis supports that this missense variant has a deleterious effect on protein structure/function; Has not been previously published as pathogenic or benign to our knowledge

Ambry Genetics
Classification: Likely benign for Inborn genetic diseases. Last evaluated: 2019-12-21. Review status: criteria provided, single submitter. Criteria: Ambry Variant Classification Scheme 2023. Collection method: clinical testing. Allele origin: germline.

NM_001003800.2(BICD2):c.2245A>G (p.Met749Val)

Gene: BICD2 (BICD cargo adaptor 2; minus strand). Cytogenetic location: 9q22.31.
Variant type: single nucleotide variant.
Coding change: c.2245A>G on transcript NM_001003800.2 (MANE Select); coding-DNA position 2245, A replaced by G.
Protein change: p.Met749Val; replaces methionine 749 with valine.
Molecular consequence: missense variant.
Genome position (GRCh38, 1-based): chr9:92,717,810, T>C on the plus strand (A>G on the coding strand, the complement: BICD2 is on the minus strand). VCF-style: chr9-92717810-T-C. GRCh37 (hg19) VCF-style: chr9-95480092-T-C.
Other names: c.2245A>G, p.Met749Val (NM_015250.4); short protein forms M749V.
Identifiers: ClinVar variation 968936 (VCV000968936.12), dbSNP rs145923602, ClinGen allele CA5126367.
Genomic context (GRCh38, chr9:92,717,810, plus strand): 5'-GACAGCTGGCCTTGTGGAAGGGGAGGGCCCGACAGCAGCACGGTTACCTGGTGGCAAACA[T>C]AGCACGCAGCGAGGAGAAGGTGGCTGCGTCCTCCTTGAGGGCCTTGAGCTCATTGCGCAG-3'
Protein context (NP_001003800.1, residues 739-759): DAATFSSLRA[Met749Val]FATRCDEYIT